The following is an entry in ClinVar:

NM_000531.6(OTC):c.270T>C (p.Ser90=)

Gene: OTC (ornithine transcarbamylase; plus strand). Cytogenetic location: Xp11.4.
Variant type: single nucleotide variant.
Coding change: c.270T>C on transcript NM_000531.6 (MANE Select); coding-DNA position 270, T replaced by C.
Protein change: p.Ser90=; no amino-acid change (serine 90 retained).
Molecular consequence: synonymous variant.
Genome position (GRCh38, 1-based): chrX:38,369,849, T>C. VCF-style: chrX-38369849-T-C. GRCh37 (hg19) VCF-style: chrX-38229102-T-C.
Identifiers: ClinVar variation 589416 (VCV000589416.15), dbSNP rs72554342, ClinGen allele CA515645936.

ClinVar aggregate classification (germline): Likely benign. Review status: criteria provided, multiple submitters, no conflicts (2 of 4 stars). 3 submissions from 3 submitters: Likely benign (3). Last evaluated 2025-03-20.

Conditions:
Ornithine carbamoyltransferase deficiency (OTCD). Also called: ORNITHINE TRANSCARBAMYLASE DEFICIENCY; ORNITHINE TRANSCARBAMYLASE DEFICIENCY, HYPERAMMONEMIA DUE TO; OTC DEFICIENCY; Ornithine Carbamoyltransferase Deficiency Disease. Identifiers: Orphanet 664, MedGen C0268542, MONDO:0010703, OMIM 311250.
Inborn genetic diseases. Identifiers: MedGen C0950123, MeSH D030342.

Allele frequency attached by ClinVar (database versions not stated): gnomAD exomes 0.00001; gnomAD 0.00003; TOPMed 0.00003.
gnomAD v4.1: 6 of 1,198,207 alleles (0.0005%); highest among the groups gnomAD compares: Admixed American, 0.0044%; no homozygotes.

Submissions (3):

Labcorp Genetics (formerly Invitae), Labcorp
Classification: Likely benign for Ornithine carbamoyltransferase deficiency. Last evaluated: 2025-03-20. Review status: criteria provided, single submitter. Criteria: Invitae Variant Classification Sherloc (09022015). Collection method: clinical testing. Allele origin: germline.

All of Us Research Program, National Institutes of Health
Classification: Likely benign for Ornithine carbamoyltransferase deficiency. Last evaluated: 2023-05-31. Review status: criteria provided, single submitter. Criteria: ACMG Guidelines, 2015. Collection method: clinical testing. Allele origin: germline. Inheritance: X-linked inheritance. Observed: 2 variant alleles, 1 heterozygote, 1 homozygote.
Comment: This study involves interpretation of variants in research participants for the purpose of population health screening. Participant phenotype was not available at the time of variant classification. Additional details can be found in publication PMID: 35346344, PMCID: PMC8962531

Ambry Genetics
Classification: Likely benign for Inborn genetic diseases. Last evaluated: 2016-10-03. Review status: criteria provided, single submitter. Criteria: Ambry Variant Classification Scheme 2023. Collection method: clinical testing. Allele origin: germline.